The following is an entry in ClinVar:

NM_006514.4(SCN10A):c.3820C>G (p.Leu1274Val)

Gene: SCN10A (sodium voltage-gated channel alpha subunit 10; minus strand). Cytogenetic location: 3p22.2.
Variant type: single nucleotide variant.
Coding change: c.3820C>G on transcript NM_006514.4 (MANE Select); coding-DNA position 3820, C replaced by G.
Protein change: p.Leu1274Val; replaces leucine 1274 with valine.
Molecular consequence: missense variant.
Genome position (GRCh38, 1-based): chr3:38,712,430, G>C on the plus strand (C>G on the coding strand, the complement: SCN10A is on the minus strand). VCF-style: chr3-38712430-G-C. GRCh37 (hg19) VCF-style: chr3-38753921-G-C.
Other names: c.3820C>G (NM_006514.2); c.3817C>G, p.Leu1273Val (NM_001293306.2); c.3526C>G, p.Leu1176Val (NM_001293307.2); short protein forms L1273V, L1274V, L1176V.
Identifiers: ClinVar variation 661081 (VCV000661081.2), dbSNP rs1362890643, ClinGen allele CA352151384.

ClinVar aggregate classification (germline): Uncertain significance. Review status: criteria provided, multiple submitters, no conflicts (2 of 4 stars). 2 submissions from 2 submitters: Uncertain significance (2). Last evaluated 2025-07-12.

Conditions:
Cardiovascular phenotype. Identifiers: MedGen CN230736.
Brugada syndrome. Also called: Sudden unexpected nocturnal death syndrome; Sudden Unexplained Death Syndrome; Sudden Unexplained Nocturnal Death Syndrome (SUNDS); Sudden unexplained nocturnal death syndrome. Identifiers: Orphanet 130, MedGen C1142166, MONDO:0015263.

Allele frequency attached by ClinVar (database versions not stated): gnomAD exomes below 0.00001.
gnomAD v4.1: 1 of 1,613,802 alleles (0.000062%); highest among the groups gnomAD compares: South Asian, 0.0011%; no homozygotes.

Submissions (2):

Ambry Genetics
Classification: Uncertain significance for Cardiovascular phenotype. Last evaluated: 2025-07-12. Review status: criteria provided, single submitter. Criteria: Ambry Variant Classification Scheme 2023. Collection method: clinical testing. Allele origin: germline.
Comment: The p.L1274V variant (also known as c.3820C>G), located in coding exon 22 of the SCN10A gene, results from a C to G substitution at nucleotide position 3820. The leucine at codon 1274 is replaced by valine, an amino acid with highly similar properties. This amino acid position is conserved. In addition, this alteration is predicted to be deleterious by in silico analysis. Based on the available evidence, the clinical significance of this variant remains unclear.

Labcorp Genetics (formerly Invitae), Labcorp
Classification: Uncertain significance for Brugada syndrome. Last evaluated: 2018-09-11. Review status: criteria provided, single submitter. Criteria: Invitae Variant Classification Sherloc (09022015). Collection method: clinical testing. Allele origin: germline.
Comment: This sequence change replaces leucine with valine at codon 1274 of the SCN10A protein (p.Leu1274Val). The leucine residue is highly conserved and there is a small physicochemical difference between leucine and valine. This variant is not present in population databases (ExAC no frequency). This variant has not been reported in the literature in individuals with SCN10A-related disease. Algorithms developed to predict the effect of missense changes on protein structure and function are either unavailable or do not agree on the potential impact of this missense change (SIFT: "Deleterious"; PolyPhen-2: "Probably Damaging"; Align-GVGD: "Class C0"). In summary, the available evidence is currently insufficient to determine the role of this variant in disease. Therefore, it has been classified as a Variant of Uncertain Significance.